The following is an entry in ClinVar:

ClinVar aggregate classification (germline): Uncertain significance (0 of 4 stars; one submission).

Conditions:
FAH-related disorder. Also called: FAH-related condition.

gnomAD v4.1: 1 of 1,614,060 alleles (0.000062%); highest among the groups gnomAD compares: Admixed American, 0.0017%; no homozygotes.

Submission:

PreventionGenetics, part of Exact Sciences
Classification: Uncertain significance for FAH-related condition. Last evaluated: 2024-03-25. Review status: no assertion criteria provided. Collection method: clinical testing. Allele origin: germline.
Comment: The FAH c.644C>A variant is predicted to result in the amino acid substitution p.Pro215Gln. To our knowledge, this variant has not been reported in the literature. This variant is reported in 0.0029% of alleles in individuals of Latino descent in gnomAD. At this time, the clinical significance of this variant is uncertain due to the absence of conclusive functional and genetic evidence.

NM_000137.4(FAH):c.644C>A (p.Pro215Gln)

Gene: FAH (fumarylacetoacetate hydrolase; plus strand). Cytogenetic location: 15q25.1.
Variant type: single nucleotide variant.
Coding change: c.644C>A on transcript NM_000137.4 (MANE Select); coding-DNA position 644, C replaced by A.
Protein change: p.Pro215Gln; replaces proline 215 with glutamine.
Molecular consequence: missense variant.
Genome position (GRCh38, 1-based): chr15:80,172,186, C>A. VCF-style: chr15-80172186-C-A. GRCh37 (hg19) VCF-style: chr15-80464528-C-A.
Other names: c.644C>A, p.Pro215Gln (NM_001374377.1, NM_001374380.1); short protein forms P215Q.
Identifiers: ClinVar variation 3356275 (VCV003356275.1).